The following is an entry in ClinVar:

NM_017760.7(NCAPG2):c.182T>C (p.Val61Ala)

Gene: NCAPG2 (non-SMC condensin II complex subunit G2; minus strand). Cytogenetic location: 7q36.3.
Variant type: single nucleotide variant.
Coding change: c.182T>C on transcript NM_017760.7 (MANE Select); coding-DNA position 182, T replaced by C.
Protein change: p.Val61Ala; replaces valine 61 with alanine.
Molecular consequence: missense variant. On other transcripts: non-coding transcript variant (1).
Genome position (GRCh38, 1-based): chr7:158,693,394, A>G on the plus strand (T>C on the coding strand, the complement: NCAPG2 is on the minus strand). VCF-style: chr7-158693394-A-G. GRCh37 (hg19) VCF-style: chr7-158486086-A-G.
Other names: c.182T>C, p.Val61Ala (NM_001281932.2, NM_001281933.2); c.182T>C (NM_001281933.1); short protein forms V61A.
Identifiers: ClinVar variation 2658283 (VCV002658283.25), dbSNP rs187542564, ClinGen allele CA4593197.
Genomic context (GRCh38, chr7:158,693,394, plus strand): 5'-ATATTGTCTTCACCCTGGGCTTCCACTACCTGCCACCCATCCACTGGGCTTTCTAACAAC[A>G]CATCTGTCAATAAATTCTTCAGCCTTTGCCATAATTCTTCTTTCTGTTTCCTTGATAATT-3'
Protein context (NP_060230.5, residues 51-71): WQRLKNLLTD[Val61Ala]LLESPVDGWQ

ClinVar aggregate classification (germline): Likely benign. Review status: criteria provided, single submitter (1 of 4 stars). 2 submissions from 2 submitters: Likely benign (1). 1 of the submissions does not count toward it. Last evaluated 2024-06-01.

Conditions:
NCAPG2-related disorder. Also called: NCAPG2-related condition.

Allele frequency attached by ClinVar (database versions not stated): 1000 Genomes Project 30x 0.00078; 1000 Genomes Project 0.00100; ESP Exome Variant Server 0.00167; TOPMed 0.00182; gnomAD 0.00245; ExAC 0.00283; gnomAD exomes 0.00305.
gnomAD v4.1: 4,776 of 1,614,040 alleles (0.3%); highest among the groups gnomAD compares: Non-Finnish European, 0.34%; 11 homozygotes.

Submissions (2):

CeGaT Center for Human Genetics Tuebingen
Classification: Likely benign. Last evaluated: 2024-06-01. Review status: criteria provided, single submitter. Criteria: CeGaT Center For Human Genetics Tuebingen Variant Classification Criteria Version 2. Collection method: clinical testing. Allele origin: germline. Affected: yes. Observed: 2 variant alleles.
Comment: NCAPG2: BP4, BS2

PreventionGenetics, part of Exact Sciences
Classification: Benign for NCAPG2-related condition. Last evaluated: 2019-09-06. Review status: no assertion criteria provided. Collection method: clinical testing. Allele origin: germline. Not counted in ClinVar's aggregate classification.
Comment: This variant is classified as benign based on ACMG/AMP sequence variant interpretation guidelines (Richards et al. 2015 PMID: 25741868, with internal and published modifications).